The following is an entry in ClinVar:

NM_001130009.3(GEN1):c.1865C>G (p.Pro622Arg)

Gene: GEN1 (GEN1 structure-specific endonuclease; plus strand). Cytogenetic location: 2p24.2.
Variant type: single nucleotide variant.
Coding change: c.1865C>G on transcript NM_001130009.3 (MANE Select); coding-DNA position 1865, C replaced by G.
Protein change: p.Pro622Arg; replaces proline 622 with arginine.
Molecular consequence: missense variant.
Genome position (GRCh38, 1-based): chr2:17,781,077, C>G. VCF-style: chr2-17781077-C-G. GRCh37 (hg19) VCF-style: chr2-17962344-C-G.
Other names: c.1865C>G, p.Pro622Arg (NM_182625.5); short protein forms P622R.
Identifiers: ClinVar variation 4857954 (VCV004857954.1).
Genomic context (GRCh38, chr2:17,781,077, plus strand): 5'-AAAGGAATACTTTTTCTCATGATTTAAAATCAGAAGTTGAATCAGAGCTATCAGCCATCC[C>G]TGATGGCTTTGAAAATATCCCAGAACAACTGTCCTGTGAATCAGAAAGGTACACTGCAAA-3'
Protein context (NP_001123481.3, residues 612-632): SEVESELSAI[Pro622Arg]DGFENIPEQL

ClinVar aggregate classification (germline): Uncertain significance (1 of 4 stars; one submission).

Submission:

Ambry Genetics
Classification: Uncertain significance. Last evaluated: 2026-04-04. Review status: criteria provided, single submitter. Criteria: Ambry Variant Classification Scheme 2023. Collection method: clinical testing. Allele origin: germline.
Comment: The p.P622R variant (also known as c.1865C>G), located in coding exon 13 of the GEN1 gene, results from a C to G substitution at nucleotide position 1865. The proline at codon 622 is replaced by arginine, an amino acid with dissimilar properties. This amino acid position is conserved. In addition, this alteration is predicted to be tolerated by in silico analysis. Based on the available evidence, the clinical significance of this variant remains unclear.